The following is an entry in ClinVar:

ClinVar aggregate classification (germline): Uncertain significance (1 of 4 stars; one submission).

Allele frequency attached by ClinVar (database versions not stated): gnomAD 0.00005; TOPMed 0.00005; ESP Exome Variant Server 0.00023.
gnomAD v4.1: 101 of 1,612,648 alleles (0.0063%); highest among the groups gnomAD compares: Non-Finnish European, 0.008%; no homozygotes.

Submission:

Ambry Genetics
Classification: Uncertain significance. Last evaluated: 2022-12-16. Review status: criteria provided, single submitter. Criteria: Ambry Variant Classification Scheme 2023. Collection method: clinical testing. Allele origin: germline.
Comment: The p.L175R variant (also known as c.524T>G), located in coding exon 3 of the MNDA gene, results from a T to G substitution at nucleotide position 524. The leucine at codon 175 is replaced by arginine, an amino acid with dissimilar properties. This amino acid position is conserved. In addition, this alteration is predicted to be tolerated by in silico analysis. Since supporting evidence is limited at this time, the clinical significance of this alteration remains unclear.

NM_002432.3(MNDA):c.524T>G (p.Leu175Arg)

Gene: MNDA (myeloid cell nuclear differentiation antigen; plus strand). Cytogenetic location: 1q23.1.
Variant type: single nucleotide variant.
Coding change: c.524T>G on transcript NM_002432.3 (MANE Select); coding-DNA position 524, T replaced by G.
Protein change: p.Leu175Arg; replaces leucine 175 with arginine.
Molecular consequence: missense variant.
Genome position (GRCh38, 1-based): chr1:158,844,076, T>G. VCF-style: chr1-158844076-T-G. GRCh37 (hg19) VCF-style: chr1-158813866-T-G.
Other names: short protein forms L175R.
Identifiers: ClinVar variation 2496933 (VCV002496933.2), dbSNP rs146513719, ClinGen allele CA1185622.
Genomic context (GRCh38, chr1:158,844,076, plus strand): 5'-AGAGTAAGCCCCCAGGTCCCTCAGGAGCCAGCACATCTGCAGCTGTGGATCATCCCCCAC[T>G]ACCCCAGACCTCATCATCAACTCCATCCAACACTTCGTTTACTCCGGTACACTCTTCCTG-3'
Protein context (NP_002423.1, residues 165-185): STSAAVDHPP[Leu175Arg]PQTSSSTPSN